The following is an entry in ClinVar:

NM_000135.4(FANCA):c.4174C>T (p.Pro1392Ser)

Genes: FANCA (FA complementation group A; minus strand), ZNF276 (zinc finger protein 276; plus strand). Cytogenetic location: 16q24.3.
Variant type: single nucleotide variant.
Coding change: c.4174C>T on transcript NM_000135.4 (MANE Select); coding-DNA position 4174, C replaced by T.
Protein change: p.Pro1392Ser; replaces proline 1392 with serine.
Molecular consequence: missense variant. On other transcripts: 3 prime UTR variant (2), non-coding transcript variant (4).
Genome position (GRCh38, 1-based): chr16:89,738,968, G>A on the plus strand (C>T on the coding strand, the complement: FANCA is on the minus strand). VCF-style: chr16-89738968-G-A. GRCh37 (hg19) VCF-style: chr16-89805376-G-A.
Other names: c.4178C>T, p.Pro1393Leu (NM_001286167.3); c.*722G>A (NM_001113525.2, NM_152287.4); short protein forms P1392S, P1393L.
Identifiers: ClinVar variation 1710975 (VCV001710975.2), dbSNP rs2544076511, ClinGen allele CA397483811.

ClinVar aggregate classification (germline): Uncertain significance. Review status: criteria provided, multiple submitters, no conflicts (2 of 4 stars). 2 submissions from 2 submitters: Uncertain significance (2). Last evaluated 2025-08-07.

Conditions:
Inborn genetic diseases. Identifiers: MedGen C0950123, MeSH D030342.
Fanconi anemia complementation group A (FANCA). Also called: Fanconi anemia, group A; FANCA-Related Fanconi Anemia. Identifiers: Orphanet 84, MedGen C3469521, MONDO:0009215, OMIM 227650.

gnomAD v4.1: 1 of 1,614,248 alleles (0.000062%); no homozygotes.

Submissions (2):

Ambry Genetics
Classification: Uncertain significance for Inborn genetic diseases. Last evaluated: 2025-08-07. Review status: criteria provided, single submitter. Criteria: Ambry Variant Classification Scheme 2023. Collection method: clinical testing. Allele origin: germline.
Comment: The p.P1392S variant (also known as c.4174C>T), located in coding exon 42 of the FANCA gene, results from a C to T substitution at nucleotide position 4174. The proline at codon 1392 is replaced by serine, an amino acid with similar properties. This amino acid position is conserved. In addition, this alteration is predicted to be tolerated by in silico analysis. Based on the available evidence, the clinical significance of this variant remains unclear.

St. Jude Molecular Pathology, St. Jude Children's Research Hospital
Classification: Uncertain significance for Fanconi anemia complementation group A. Last evaluated: 2022-08-10. Review status: criteria provided, single submitter. Criteria: St. Jude Assertion Criteria 2020. Collection method: clinical testing. Allele origin: germline.
Comment: The FANCA c.4174C>T (p.Pro1392Ser) missense change is absent in gnomAD v2.1.1. The in silico tool REVEL predicts a benign effect on protein function, but to our knowledge this prediction has not been confirmed by functional studies. To our knowledge, this variant has not been reported in individuals with Fanconi anemia. In summary, the evidence currently available is insufficient to determine the clinical significance of this variant. It has therefore been classified as of uncertain significance.